The following is an entry in ClinVar:

NM_015488.5(PNKD):c.203G>T (p.Gly68Val)

Gene: PNKD (PNKD metallo-beta-lactamase domain containing; plus strand). Cytogenetic location: 2q35.
Variant type: single nucleotide variant.
Coding change: c.203G>T on transcript NM_015488.5 (MANE Select); coding-DNA position 203, G replaced by T.
Protein change: p.Gly68Val; replaces glycine 68 with valine.
Molecular consequence: missense variant.
Genome position (GRCh38, 1-based): chr2:218,271,516, G>T. VCF-style: chr2-218271516-G-T. GRCh37 (hg19) VCF-style: chr2-219136239-G-T.
Other names: c.203G>T, p.Gly68Val (NM_001077399.3); short protein forms G68V.
Identifiers: ClinVar variation 1955579 (VCV001955579.5), dbSNP rs1690830446, ClinGen allele CA350544865.
Genomic context (GRCh38, chr2:218,271,516, plus strand): 5'-AGGGCAAGGAGGAACCTGAACCCCTATCCCCGGAGCTGGAATACATTCCCAGAAAGAGGG[G>T]CAAGAACCCCATGAAAGCTGTGGGACTGGCCTGGTGAGTTTTAACCACCCCTTTGCCCAC-3'
Protein context (NP_056303.3, residues 58-78): PELEYIPRKR[Gly68Val]KNPMKAVGLA

ClinVar aggregate classification (germline): Uncertain significance (1 of 4 stars; one submission).

Conditions:
Paroxysmal nonkinesigenic dyskinesia. Also called: Paroxysmal non-kinesigenic dyskinesia. Identifiers: Orphanet 98810, MedGen C1869117, MONDO:0700088.

Submission:

Labcorp Genetics (formerly Invitae), Labcorp
Classification: Uncertain significance for Paroxysmal nonkinesigenic dyskinesia. Last evaluated: 2022-08-21. Review status: criteria provided, single submitter. Criteria: Invitae Variant Classification Sherloc (09022015). Collection method: clinical testing. Allele origin: germline.
Comment: In summary, the available evidence is currently insufficient to determine the role of this variant in disease. Therefore, it has been classified as a Variant of Uncertain Significance. Algorithms developed to predict the effect of missense changes on protein structure and function (SIFT, PolyPhen-2, Align-GVGD) all suggest that this variant is likely to be tolerated. This variant has not been reported in the literature in individuals affected with PNKD-related conditions. This variant is not present in population databases (gnomAD no frequency). This sequence change replaces glycine, which is neutral and non-polar, with valine, which is neutral and non-polar, at codon 68 of the PNKD protein (p.Gly68Val).